The following is an entry in ClinVar:

ClinVar aggregate classification (germline): Likely benign. Review status: criteria provided, multiple submitters, no conflicts (2 of 4 stars). 4 submissions from 4 submitters: Likely benign (4). Last evaluated 2026-05-06.

Conditions:
EFTUD2-related disorder. Also called: EFTUD2-related condition.

Allele frequency attached by ClinVar (database versions not stated): gnomAD 0.00003; gnomAD exomes 0.00006; TOPMed 0.00006; ExAC 0.00007.
gnomAD v4.1: 89 of 1,606,392 alleles (0.0055%); highest among the groups gnomAD compares: Middle Eastern, 0.15%; no homozygotes.

Submissions (4):

PreventionGenetics, part of Exact Sciences
Classification: Likely benign for EFTUD2-related condition. Last evaluated: 2026-05-06. Review status: criteria provided, single submitter. Criteria: ACMG Guidelines, 2015. Collection method: clinical testing. Allele origin: germline.
Comment: This variant is classified as likely benign based on ACMG/AMP sequence variant interpretation guidelines (Richards et al. 2015 PMID: 25741868, with internal and published modifications).

Labcorp Genetics (formerly Invitae), Labcorp
Classification: Likely benign. Last evaluated: 2026-01-26. Review status: criteria provided, single submitter. Criteria: Invitae Variant Classification Sherloc (09022015). Collection method: clinical testing. Allele origin: germline.

CeGaT Center for Human Genetics Tuebingen
Classification: Likely benign. Last evaluated: 2025-02-01. Review status: criteria provided, single submitter. Criteria: CeGaT Center For Human Genetics Tuebingen Variant Classification Criteria Version 2. Collection method: clinical testing. Allele origin: germline. Affected: yes. Observed: 2 variant alleles.
Comment: EFTUD2: BP4, BP7

Blueprint Genetics
Classification: Likely benign. Last evaluated: 2024-10-30. Review status: criteria provided, single submitter. Criteria: ACMG Guidelines, 2015. Collection method: clinical testing. Allele origin: germline.

NM_004247.4(EFTUD2):c.1107C>T (p.Phe369=)

Gene: EFTUD2 (elongation factor Tu GTP binding domain containing 2; minus strand). Cytogenetic location: 17q21.31.
Variant type: single nucleotide variant.
Coding change: c.1107C>T on transcript NM_004247.4 (MANE Select); coding-DNA position 1107, C replaced by T.
Protein change: p.Phe369=; no amino-acid change (phenylalanine 369 retained).
Molecular consequence: synonymous variant.
Genome position (GRCh38, 1-based): chr17:44,867,849, G>A on the plus strand (C>T on the coding strand, the complement: EFTUD2 is on the minus strand). VCF-style: chr17-44867849-G-A. GRCh37 (hg19) VCF-style: chr17-42945217-G-A.
Other names: c.1002C>T, p.Phe334= (NM_001142605.2); c.1107C>T, p.Phe369= (NM_001258353.2); c.1077C>T, p.Phe359= (NM_001258354.2); c.1107C>T (NM_004247.3).
Identifiers: ClinVar variation 2716298 (VCV002716298.24), dbSNP rs760770880, ClinGen allele CA8607873.